The following is an entry in ClinVar:

ClinVar aggregate classification (germline): Benign. Review status: criteria provided, multiple submitters, no conflicts (2 of 4 stars). 2 submissions from 2 submitters: Benign (2). Last evaluated 2018-06-16.

Allele frequency attached by ClinVar (database versions not stated): gnomAD 0.42367 and 0.42735; TOPMed 0.44090; 1000 Genomes Project 30x 0.45456; 1000 Genomes Project 0.45567.
gnomAD v4.1: 65,045 of 151,786 alleles (43%); highest among the groups gnomAD compares: East Asian, 61%; 14,231 homozygotes.

Submissions (2):

GeneDx
Classification: Benign. Last evaluated: 2018-06-16. Review status: criteria provided, single submitter. Criteria: GeneDx Variant Classification (06012015). Collection method: clinical testing. Allele origin: germline. Affected: yes.
Comment: This variant is considered likely benign or benign based on one or more of the following criteria: it is a conservative change, it occurs at a poorly conserved position in the protein, it is predicted to be benign by multiple in silico algorithms, and/or has population frequency not consistent with disease.

Breakthrough Genomics
Classification: Benign. Review status: criteria provided, single submitter. Criteria: ACMG Guidelines, 2015. Collection method: not provided. Allele origin: germline. Inheritance: Autosomal recessive inheritance. Affected: yes.

NM_005677.4(COLQ):c.955-186C>T

Gene: COLQ (collagen like tail subunit of asymmetric acetylcholinesterase; minus strand). Cytogenetic location: 3p25.1.
Variant type: single nucleotide variant.
Coding change: c.955-186C>T on transcript NM_005677.4 (MANE Select); 186 bases into the intron before coding-DNA position 955, C replaced by T.
Molecular consequence: intron variant.
Genome position (GRCh38, 1-based): chr3:15,456,765, G>A on the plus strand (C>T on the coding strand, the complement: COLQ is on the minus strand). VCF-style: chr3-15456765-G-A. GRCh37 (hg19) VCF-style: chr3-15498272-G-A.
Other names: c.853-186C>T (NM_080539.4); c.925-186C>T (NM_080538.2).
Identifiers: ClinVar variation 679261 (VCV000679261.2), dbSNP rs12494919, ClinGen allele CA11587848.